The following is an entry in ClinVar:

ClinVar aggregate classification (germline): Uncertain significance. Review status: criteria provided, multiple submitters, no conflicts (2 of 4 stars). 2 submissions from 2 submitters: Uncertain significance (2). Last evaluated 2024-02-06.

Conditions:
Arterial calcification, generalized, of infancy, 2. Identifiers: Orphanet 51608, MedGen C3276161, MONDO:0013768, OMIM 614473.
Autosomal recessive inherited pseudoxanthoma elasticum (PXE). Identifiers: Orphanet 758, MedGen CN032334, MONDO:0009925, OMIM 264800.
Pseudoxanthoma elasticum, forme fruste. Also called: PSEUDOXANTHOMA ELASTICUM, HETEROZYGOUS; Pseudoxanthoma Elasticum, Incomplete. Identifiers: Orphanet 758, MedGen C1867450, MONDO:0008333, OMIM 177850.

Allele frequency attached by ClinVar (database versions not stated): gnomAD exomes below 0.00001; TOPMed below 0.00001; gnomAD 0.00001; ESP Exome Variant Server 0.00008.
gnomAD v4.1: 2 of 1,613,948 alleles (0.00012%); highest among the groups gnomAD compares: African/African-American, 0.0027%; no homozygotes.

Submissions (2):

Fulgent Genetics
Classification: Uncertain significance for Pseudoxanthoma elasticum, forme fruste; Autosomal recessive inherited pseudoxanthoma elasticum; Arterial calcification, generalized, of infancy, 2. Last evaluated: 2024-02-06. Review status: criteria provided, single submitter. Criteria: ACMG Guidelines, 2015. Collection method: clinical testing. Allele origin: germline.

Labcorp Genetics (formerly Invitae), Labcorp
Classification: Uncertain significance. Last evaluated: 2022-07-26. Review status: criteria provided, single submitter. Criteria: Invitae Variant Classification Sherloc (09022015). Collection method: clinical testing. Allele origin: germline.
Comment: This variant is not present in population databases (gnomAD no frequency). In summary, the available evidence is currently insufficient to determine the role of this variant in disease. Therefore, it has been classified as a Variant of Uncertain Significance. Advanced modeling of protein sequence and biophysical properties (such as structural, functional, and spatial information, amino acid conservation, physicochemical variation, residue mobility, and thermodynamic stability) performed at Invitae indicates that this missense variant is not expected to disrupt ABCC6 protein function. ClinVar contains an entry for this variant (Variation ID: 1406909). This variant has not been reported in the literature in individuals affected with ABCC6-related conditions. This sequence change replaces proline, which is neutral and non-polar, with serine, which is neutral and polar, at codon 867 of the ABCC6 protein (p.Pro867Ser).

NM_001171.6(ABCC6):c.2599C>T (p.Pro867Ser)

Gene: ABCC6 (ATP binding cassette subfamily C member 6; minus strand). Cytogenetic location: 16p13.11.
Variant type: single nucleotide variant.
Coding change: c.2599C>T on transcript NM_001171.6 (MANE Select); coding-DNA position 2599, C replaced by T.
Protein change: p.Pro867Ser; replaces proline 867 with serine.
Molecular consequence: missense variant. On other transcripts: non-coding transcript variant (1).
Genome position (GRCh38, 1-based): chr16:16,175,978, G>A on the plus strand (C>T on the coding strand, the complement: ABCC6 is on the minus strand). VCF-style: chr16-16175978-G-A. GRCh37 (hg19) VCF-style: chr16-16269835-G-A.
Other names: c.2257C>T, p.Pro753Ser (NM_001351800.1); short protein forms P867S, P753S.
Identifiers: ClinVar variation 1406909 (VCV001406909.9), dbSNP rs376512808, ClinGen allele CA278643252.
Genomic context (GRCh38, chr16:16,175,978, plus strand): 5'-GTCTAAGCTCGGGCCTCCTGCCTGCAGAGGTGCCTCTGGGGTCCTTGGTGCTGGTCCCAG[G>A]TTCTGTTTCTGCAAGGTCAAGAGAGTCCTGTCACGCAACACGGCCCAGATACCCACTTTG-3'
Protein context (NP_001162.5, residues 857-877): PGDRGEGETE[Pro867Ser]GTSTKDPRGT